The following is an entry in ClinVar:

NM_020911.2(PLXNA4):c.2349C>T (p.Val783=)

Gene: PLXNA4 (plexin A4; minus strand). Cytogenetic location: 7q32.3.
Variant type: single nucleotide variant.
Coding change: c.2349C>T on transcript NM_020911.2 (MANE Select); coding-DNA position 2349, C replaced by T.
Protein change: p.Val783=; no amino-acid change (valine 783 retained).
Molecular consequence: synonymous variant.
Genome position (GRCh38, 1-based): chr7:132,203,369, G>A on the plus strand (C>T on the coding strand, the complement: PLXNA4 is on the minus strand). VCF-style: chr7-132203369-G-A. GRCh37 (hg19) VCF-style: chr7-131888128-G-A.
Other names: c.2349C>T, p.Val783= (NM_001393897.1).
Identifiers: ClinVar variation 3029353 (VCV003029353.2), dbSNP rs772827815, ClinGen allele CA4489817.

ClinVar aggregate classification (germline): Likely benign (0 of 4 stars; one submission).

Conditions:
PLXNA4-related disorder. Also called: PLXNA4-related condition.

Allele frequency attached by ClinVar (database versions not stated): ExAC 0.00001; gnomAD 0.00003; TOPMed 0.00003; gnomAD exomes 0.00004.
gnomAD v4.1: 56 of 1,613,878 alleles (0.0035%); highest among the groups gnomAD compares: Non-Finnish European, 0.0045%; no homozygotes.

Submission:

PreventionGenetics, part of Exact Sciences
Classification: Likely benign for PLXNA4-related condition. Last evaluated: 2022-05-25. Review status: no assertion criteria provided. Collection method: clinical testing. Allele origin: germline.
Comment: This variant is classified as likely benign based on ACMG/AMP sequence variant interpretation guidelines (Richards et al. 2015 PMID: 25741868, with internal and published modifications).